The following is an entry in ClinVar:

NM_000341.4(SLC3A1):c.1343C>A (p.Pro448Gln)

Gene: SLC3A1 (solute carrier family 3 member 1; plus strand). Cytogenetic location: 2p21.
Variant type: single nucleotide variant.
Coding change: c.1343C>A on transcript NM_000341.4 (MANE Select); coding-DNA position 1343, C replaced by A.
Protein change: p.Pro448Gln; replaces proline 448 with glutamine.
Molecular consequence: missense variant.
Genome position (GRCh38, 1-based): chr2:44,312,596, C>A. VCF-style: chr2-44312596-C-A. GRCh37 (hg19) VCF-style: chr2-44539735-C-A.
Other names: short protein forms P448Q.
Identifiers: ClinVar variation 5020742 (VCV005020742.1).

ClinVar aggregate classification (germline): Uncertain significance (1 of 4 stars; one submission).

gnomAD v4.1: 1 of 1,613,744 alleles (0.000062%); highest among the groups gnomAD compares: Non-Finnish European, 0.000085%; no homozygotes.

Submission:

Dasa
Classification: Uncertain significance. Last evaluated: 2026-01-03. Review status: criteria provided, single submitter. Criteria: DASA Assertion Criteria. Collection method: clinical testing. Allele origin: germline.
Comment: NM_000341.4(SLC3A1):c.1343C>A (p.Pro448Gln) is a missense variant that results in the substitution of proline with glutamine. The affected residue or protein region has prior evidence supporting clinical relevance. This variant is rare in population databases. Computational prediction algorithms are consistent with a deleterious effect. The currently available literature and clinical evidence are not sufficient to establish a definitive association between this variant and the reported condition. Therefore, this variant is classified as a variant of uncertain significance.